The following is an entry in ClinVar:

ClinVar aggregate classification (germline): Uncertain significance (1 of 4 stars; one submission).

Submission:

Labcorp Genetics (formerly Invitae), Labcorp
Classification: Uncertain significance. Last evaluated: 2022-06-28. Review status: criteria provided, single submitter. Criteria: Invitae Variant Classification Sherloc (09022015). Collection method: clinical testing. Allele origin: germline.
Comment: In summary, the available evidence is currently insufficient to determine the role of this variant in disease. Therefore, it has been classified as a Variant of Uncertain Significance. This variant has not been reported in the literature in individuals affected with COL7A1-related conditions. Advanced modeling of protein sequence and biophysical properties (such as structural, functional, and spatial information, amino acid conservation, physicochemical variation, residue mobility, and thermodynamic stability) performed at Invitae indicates that this missense variant is not expected to disrupt COL7A1 protein function. This sequence change replaces alanine, which is neutral and non-polar, with threonine, which is neutral and polar, at codon 1548 of the COL7A1 protein (p.Ala1548Thr). This variant is not present in population databases (gnomAD no frequency).

NM_000094.4(COL7A1):c.4642G>A (p.Ala1548Thr)

Gene: COL7A1 (collagen type VII alpha 1 chain; minus strand). Cytogenetic location: 3p21.31.
Variant type: single nucleotide variant.
Coding change: c.4642G>A on transcript NM_000094.4 (MANE Select); coding-DNA position 4642, G replaced by A.
Protein change: p.Ala1548Thr; replaces alanine 1548 with threonine.
Molecular consequence: missense variant.
Genome position (GRCh38, 1-based): chr3:48,581,937, C>T on the plus strand (G>A on the coding strand, the complement: COL7A1 is on the minus strand). VCF-style: chr3-48581937-C-T. GRCh37 (hg19) VCF-style: chr3-48619370-C-T.
Other names: short protein forms A1548T.
Identifiers: ClinVar variation 1978775 (VCV001978775.4), dbSNP rs2531114271, ClinGen allele CA352686636.